The following is an entry in ClinVar:

ClinVar aggregate classification (germline): Uncertain significance (1 of 4 stars; one submission).

Conditions:
Congenital myasthenic syndrome 4A. Also called: Myasthenic syndrome, congenital, 4a, slow-channel; CONGENITAL MYASTHENIC SYNDROME TYPE Ia1; MYASTHENIC SYNDROME, CONGENITAL, 4A, SLOW-CHANNEL, AUTOSOMAL RECESSIVE. Identifiers: Orphanet 590, MedGen C4225413, MONDO:0011600, OMIM 605809.

Submission:

Labcorp Genetics (formerly Invitae), Labcorp
Classification: Uncertain significance for Congenital myasthenic syndrome 4A. Last evaluated: 2023-07-17. Review status: criteria provided, single submitter. Criteria: Invitae Variant Classification Sherloc (09022015). Collection method: clinical testing. Allele origin: germline.
Comment: This sequence change replaces aspartic acid, which is acidic and polar, with asparagine, which is neutral and polar, at codon 455 of the CHRNE protein (p.Asp455Asn). In summary, the available evidence is currently insufficient to determine the role of this variant in disease. Therefore, it has been classified as a Variant of Uncertain Significance. Algorithms developed to predict the effect of sequence changes on RNA splicing suggest that this variant may disrupt the consensus splice site. Advanced modeling of protein sequence and biophysical properties (such as structural, functional, and spatial information, amino acid conservation, physicochemical variation, residue mobility, and thermodynamic stability) has been performed at Invitae for this missense variant, however the output from this modeling did not meet the statistical confidence thresholds required to predict the impact of this variant on CHRNE protein function. This variant has not been reported in the literature in individuals affected with CHRNE-related conditions. This variant is not present in population databases (gnomAD no frequency).

NM_000080.4(CHRNE):c.1363G>A (p.Asp455Asn)

Gene: CHRNE (cholinergic receptor nicotinic epsilon subunit; minus strand). Cytogenetic location: 17p13.2.
Variant type: single nucleotide variant.
Coding change: c.1363G>A on transcript NM_000080.4 (MANE Select); coding-DNA position 1363, G replaced by A.
Protein change: p.Asp455Asn; replaces aspartic acid 455 with asparagine.
Molecular consequence: missense variant.
Genome position (GRCh38, 1-based): chr17:4,898,855, C>T on the plus strand (G>A on the coding strand, the complement: CHRNE is on the minus strand). VCF-style: chr17-4898855-C-T. GRCh37 (hg19) VCF-style: chr17-4802150-C-T.
Other names: short protein forms D455N.
Identifiers: ClinVar variation 2842244 (VCV002842244.3), dbSNP rs954298429, ClinGen allele CA397297813.